The following is an entry in ClinVar:

NM_016203.4(PRKAG2):c.114+3G>A

Gene: PRKAG2 (protein kinase AMP-activated non-catalytic subunit gamma 2; minus strand). Cytogenetic location: 7q36.1.
Variant type: single nucleotide variant.
Coding change: c.114+3G>A on transcript NM_016203.4 (MANE Select); 3 bases into the intron after coding-DNA position 114, G replaced by A.
Molecular consequence: intron variant.
Genome position (GRCh38, 1-based): chr7:151,876,504, C>T on the plus strand (G>A on the coding strand, the complement: PRKAG2 is on the minus strand). VCF-style: chr7-151876504-C-T. GRCh37 (hg19) VCF-style: chr7-151573589-C-T.
Identifiers: ClinVar variation 1061369 (VCV001061369.8), dbSNP rs2151920361, ClinGen allele CA2499218834.
Genomic context (GRCh38, chr7:151,876,504, plus strand): 5'-TCGGCGCCGGGGACGGGAGCGACAGGAGGGCTGGGGAGCAGGGGACCGAGTGCTGGGACT[C>T]ACCGGAATGTGCACGCGCAGCGAACGCCTCTTCTGGCTGGCATTTTTCTTGCCGCCGCTC-3'

ClinVar aggregate classification (germline): Uncertain significance. Review status: criteria provided, multiple submitters, no conflicts (2 of 4 stars). 2 submissions from 2 submitters: Uncertain significance (2). Last evaluated 2020-05-11.

Conditions:
Lethal congenital glycogen storage disease of heart. Also called: GLYCOGEN STORAGE DISEASE OF HEART; PHOSPHORYLASE KINASE DEFICIENCY OF HEART. Identifiers: Orphanet 439854, MedGen C1849813, MONDO:0009867, OMIM 261740.
Cardiomyopathy (CMYO). Also called: Cardiomyopathies. Identifiers: Orphanet 167848, MedGen C0878544, MONDO:0004994, HP:0001638. Inheritance: Various modes of inheritance.

gnomAD v4.1: 2 of 1,604,872 alleles (0.00012%); highest among the groups gnomAD compares: Non-Finnish European, 0.00017%; no homozygotes.

Submissions (2):

Color Diagnostics, LLC DBA Color Health
Classification: Uncertain significance for Cardiomyopathy. Last evaluated: 2020-05-11. Review status: criteria provided, single submitter. Criteria: ACMG Guidelines, 2015. Collection method: clinical testing. Allele origin: germline.
Comment: This variant causes a G to A nucleotide substitution at the +3 position of intron 1 of the PRKAG2 gene. To our knowledge, functional studies have not been reported for this variant. This variant has not been reported in individuals affected with cardiovascular disorders in the literature. This variant has not been identified in the general population by the Genome Aggregation Database (gnomAD). The available evidence is insufficient to determine the role of this variant in disease conclusively. Therefore, this variant is classified as a Variant of Uncertain Significance.

Labcorp Genetics (formerly Invitae), Labcorp
Classification: Uncertain significance for Lethal congenital glycogen storage disease of heart. Last evaluated: 2018-08-30. Review status: criteria provided, single submitter. Criteria: Invitae Variant Classification Sherloc (09022015). Collection method: clinical testing. Allele origin: germline.
Comment: This sequence change falls in intron 1 of the PRKAG2 gene. It does not directly change the encoded amino acid sequence of the PRKAG2 protein, but it affects a nucleotide within the consensus splice site of the intron. This variant is not present in population databases (ExAC no frequency). This variant has not been reported in the literature in individuals with PRKAG2-related disease. Nucleotide substitutions within the consensus splice site are a relatively common cause of aberrant splicing (PMID: 17576681, 9536098). Algorithms developed to predict the effect of sequence changes on RNA splicing suggest that this variant is not likely to affect RNA splicing, but this prediction has not been confirmed by published transcriptional studies. In summary, the available evidence is currently insufficient to determine the role of this variant in disease. Therefore, it has been classified as a Variant of Uncertain Significance.

Literature cited by the submitters: PubMed 17576681 (cited by Labcorp Genetics (formerly Invitae), Labcorp); PubMed 9536098 (cited by Labcorp Genetics (formerly Invitae), Labcorp).